The following is an entry in ClinVar:

NM_001918.5(DBT):c.247del (p.Glu83fs)

Gene: DBT (dihydrolipoamide branched chain transacylase E2; minus strand). Cytogenetic location: 1p21.2.
Variant type: Deletion.
Coding change: c.247del on transcript NM_001918.5 (MANE Select); coding-DNA position 247, one base deleted (G; older notation c.247delG).
Protein change: p.Glu83fs; shifts the reading frame from glutamic acid 83.
Molecular consequence: frameshift variant. On other transcripts: 5 prime UTR variant (2), non-coding transcript variant (4).
Genome position (GRCh38, 1-based): chr1:100,235,440, C deleted on the plus strand (G on the coding strand, the reverse complement: DBT is on the minus strand). VCF-style (leftmost placement, unchanged base first): chr1-100235439-TC-T. GRCh37 (hg19) VCF-style: chr1-100700995-TC-T.
Other names: c.-297del (NM_001399969.1, NM_001399972.1); short protein forms E83fs.
Identifiers: ClinVar variation 2757829 (VCV002757829.3), dbSNP rs2524234474, ClinGen allele CA2697552566.

ClinVar aggregate classification (germline): Pathogenic (1 of 4 stars; one submission).

Conditions:
Maple syrup urine disease (MSUD). Identifiers: Orphanet 511, MedGen C0024776, MeSH D008375, MONDO:0009563. Disease mechanism: loss of function.

Submission:

Labcorp Genetics (formerly Invitae), Labcorp
Classification: Pathogenic for Maple syrup urine disease. Last evaluated: 2023-09-04. Review status: criteria provided, single submitter. Criteria: Invitae Variant Classification Sherloc (09022015). Collection method: clinical testing. Allele origin: germline.
Comment: For these reasons, this variant has been classified as Pathogenic. This variant has not been reported in the literature in individuals affected with DBT-related conditions. This variant is not present in population databases (gnomAD no frequency). This sequence change creates a premature translational stop signal (p.Glu83Asnfs*4) in the DBT gene. It is expected to result in an absent or disrupted protein product. Loss-of-function variants in DBT are known to be pathogenic (PMID: 16579849, 16786533).

Literature cited by the submitters: PubMed 16579849; PubMed 16786533.